The following is an entry in ClinVar:

NM_198334.3(GANAB):c.48G>A (p.Ala16=)

Gene: GANAB (glucosidase II alpha subunit; minus strand). Cytogenetic location: 11q12.3.
Variant type: single nucleotide variant.
Coding change: c.48G>A on transcript NM_198334.3 (MANE Select); coding-DNA position 48, G replaced by A.
Protein change: p.Ala16=; no amino-acid change (alanine 16 retained).
Molecular consequence: synonymous variant. On other transcripts: 5 prime UTR variant (5), intron variant (2).
Genome position (GRCh38, 1-based): chr11:62,639,722, C>T on the plus strand (G>A on the coding strand, the complement: GANAB is on the minus strand). VCF-style: chr11-62639722-C-T. GRCh37 (hg19) VCF-style: chr11-62407194-C-T.
Other names: c.-135G>A (NM_001278194.2); c.-244G>A (NM_001329222.2); c.-240G>A (NM_001329223.2); c.-729G>A (NM_001329224.2, NM_001329225.2); c.48G>A, p.Ala16= (NM_198335.4); c.39-4722G>A (NM_001278193.2, NM_001278192.2).
Identifiers: ClinVar variation 3046809 (VCV003046809.2), dbSNP rs764219875, ClinGen allele CA6051232.

ClinVar aggregate classification (germline): Likely benign (0 of 4 stars; one submission).

Conditions:
GANAB-related disorder. Also called: GANAB-related condition.

Allele frequency attached by ClinVar (database versions not stated): ExAC 0.00002; TOPMed 0.00002; gnomAD 0.00003; gnomAD exomes 0.00003.
gnomAD v4.1: 57 of 1,611,970 alleles (0.0035%); highest among the groups gnomAD compares: Non-Finnish European, 0.0042%; no homozygotes.

Submission:

PreventionGenetics, part of Exact Sciences
Classification: Likely benign for GANAB-related condition. Last evaluated: 2022-05-15. Review status: no assertion criteria provided. Collection method: clinical testing. Allele origin: germline.
Comment: This variant is classified as likely benign based on ACMG/AMP sequence variant interpretation guidelines (Richards et al. 2015 PMID: 25741868, with internal and published modifications).